The following is an entry in ClinVar:

ClinVar aggregate classification (germline): Pathogenic/Likely pathogenic. Review status: criteria provided, multiple submitters, no conflicts (2 of 4 stars). 3 submissions from 3 submitters: Pathogenic (1); Likely pathogenic (2). Last evaluated 2023-12-23.

Conditions:
Hepatoencephalopathy due to combined oxidative phosphorylation defect type 1. Also called: HEPATOENCEPHALOPATHY, EARLY FATAL PROGRESSIVE. Identifiers: Orphanet 137681, MedGen C1836797, MONDO:0012191, OMIM 609060.

Submissions (3):

Baylor Genetics
Classification: Likely pathogenic for Hepatoencephalopathy due to combined oxidative phosphorylation defect type 1. Last evaluated: 2023-12-23. Review status: criteria provided, single submitter. Criteria: ACMG Guidelines, 2015. Collection method: clinical testing. Allele origin: unknown.

Labcorp Genetics (formerly Invitae), Labcorp
Classification: Pathogenic. Last evaluated: 2022-03-16. Review status: criteria provided, single submitter. Criteria: Invitae Variant Classification Sherloc (09022015). Collection method: clinical testing. Allele origin: germline.
Comment: For these reasons, this variant has been classified as Pathogenic. ClinVar contains an entry for this variant (Variation ID: 667375). This variant has not been reported in the literature in individuals affected with GFM1-related conditions. The frequency data for this variant in the population databases is considered unreliable, as metrics indicate poor data quality at this position in the gnomAD database. This sequence change creates a premature translational stop signal (p.Ala19Profs*3) in the GFM1 gene. It is expected to result in an absent or disrupted protein product. Loss-of-function variants in GFM1 are known to be pathogenic (PMID: 16632485, 17160893).

Laboratory for Molecular Medicine, Mass General Brigham Personalized Medicine
Classification: Likely pathogenic for Hepatoencephalopathy due to combined oxidative phosphorylation defect type 1. Last evaluated: 2018-12-12. Review status: criteria provided, single submitter. Criteria: LMM Criteria. Collection method: clinical testing. Allele origin: germline. Inheritance: Autosomal recessive inheritance. Observed: 1 variant allele.
Comment: The p.Ala19ProfsX3 variant in GFM1 has not been previously reported in individua ls with combined oxidative phosphorylation deficiency. It has been identified in 1/80660 of European and 1/24940 South Asian chromosomes by gnomAD. This variant is predicted to cause a frameshift, which al ters the protein?s amino acid sequence beginning at position 19 and leads to a p remature termination codon 3 amino acids downstream. This alteration is then pre dicted to lead to a truncated or absent protein. Loss of function of the GFM1 ge ne is associated with autosomal recessive combined oxidative phosphorylation def iciency. In summary, although additional studies are required to fully establish its clinical significance, this variant meets criteria to be classified as like ly pathogenic for autosomal recessive combined oxidative phosphorylation deficie ncy. ACMG/AMP Criteria applied: PVS1_Strong, PM2.

Literature cited by the submitters: PubMed 16632485 (cited by Labcorp Genetics (formerly Invitae), Labcorp); PubMed 17160893 (cited by Labcorp Genetics (formerly Invitae), Labcorp).

NM_024996.7(GFM1):c.54del (p.Ala19fs)

Gene: GFM1 (G elongation factor mitochondrial 1; plus strand). Cytogenetic location: 3q25.32.
Variant type: Deletion.
Coding change: c.54del on transcript NM_024996.7 (MANE Select); coding-DNA position 54, one base deleted (C; older notation c.54delC).
Protein change: p.Ala19fs; shifts the reading frame from alanine 19.
Molecular consequence: frameshift variant. On other transcripts: 5 prime UTR variant (4), non-coding transcript variant (4).
Genome position (GRCh38, 1-based): chr3:158,644,688, C deleted; the last of 5 consecutive C bases (chr3:158,644,684-158,644,688); deleting any one gives the same sequence. VCF-style (leftmost placement, unchanged base first): chr3-158644683-GC-G. GRCh37 (hg19) VCF-style: chr3-158362472-GC-G.
Other names: c.54del, p.Ala19fs (NM_001308164.2, NM_001308166.2, NM_001374355.1 and 2 more transcripts); c.-338del (NM_001374357.1); c.-176del (NM_001374359.1, NM_001374360.1, NM_001374361.1); short protein forms A19fs.
Identifiers: ClinVar variation 667375 (VCV000667375.9), dbSNP rs765266988, ClinGen allele CA2682191.